The following is an entry in ClinVar:

NM_001267550.2(TTN):c.90594T>C (p.His30198=)

Genes: TTN (titin; minus strand), TTN-AS1 (TTN antisense RNA 1; plus strand). Cytogenetic location: 2q31.2.
Variant type: single nucleotide variant.
Coding change: c.90594T>C on transcript NM_001267550.2 (MANE Select); coding-DNA position 90594, T replaced by C.
Protein change: p.His30198=; no amino-acid change (histidine 30198 retained).
Molecular consequence: synonymous variant.
Genome position (GRCh38, 1-based): chr2:178,552,306, A>G on the plus strand (T>C on the coding strand, the complement: TTN is on the minus strand). VCF-style: chr2-178552306-A-G. GRCh37 (hg19) VCF-style: chr2-179417033-A-G.
Other names: c.85671T>C, p.His28557= (NM_001256850.1); c.63399T>C, p.His21133= (NM_003319.4); c.82890T>C, p.His27630= (NM_133378.4); c.63774T>C, p.His21258= (NM_133432.3); c.63975T>C, p.His21325= (NM_133437.4).
Identifiers: ClinVar variation 499313 (VCV000499313.52), dbSNP rs765307374, ClinGen allele CA1987771.

ClinVar aggregate classification (germline): Conflicting classifications of pathogenicity. Review status: criteria provided, conflicting classifications (1 of 4 stars). 4 submissions from 4 submitters: Uncertain significance (1); Likely benign (3). Last evaluated 2026-02-02.

Conditions:
Cardiovascular phenotype. Identifiers: MedGen CN230736.
Dilated cardiomyopathy 1G (CMD1G). Identifiers: Orphanet 154, MedGen C1858763, MONDO:0011400, OMIM 604145.
Autosomal recessive limb-girdle muscular dystrophy type 2J (LGMDR10). Also called: Limb-girdle muscular dystrophy, type 2J; MUSCULAR DYSTROPHY, LIMB-GIRDLE, AUTOSOMAL RECESSIVE 10. Identifiers: Orphanet 140922, MedGen C1837342, MONDO:0012127, OMIM 608807.

Allele frequency attached by ClinVar (database versions not stated): ExAC 0.00001; TOPMed 0.00008.
gnomAD v4.1: 19 of 1,612,234 alleles (0.0012%); highest among the groups gnomAD compares: African/African-American, 0.013%; no homozygotes.

Submissions (4):

Labcorp Genetics (formerly Invitae), Labcorp
Classification: Likely benign for Dilated cardiomyopathy 1G; Autosomal recessive limb-girdle muscular dystrophy type 2J. Last evaluated: 2026-02-02. Review status: criteria provided, single submitter. Criteria: Invitae Variant Classification Sherloc (09022015). Collection method: clinical testing. Allele origin: germline.

CeGaT Center for Human Genetics Tuebingen
Classification: Likely benign. Last evaluated: 2024-10-01. Review status: criteria provided, single submitter. Criteria: CeGaT Center For Human Genetics Tuebingen Variant Classification Criteria Version 2. Collection method: clinical testing. Allele origin: germline. Affected: yes. Observed: 5 variant alleles.
Comment: TTN: BP4, BP7

Ambry Genetics
Classification: Likely benign for Cardiovascular phenotype. Last evaluated: 2021-01-20. Review status: criteria provided, single submitter. Criteria: Ambry Variant Classification Scheme 2023. Collection method: clinical testing. Allele origin: germline.

Eurofins Ntd Llc (ga)
Classification: Uncertain significance. Last evaluated: 2017-01-13. Review status: criteria provided, single submitter. Criteria: EGL Classification Definitions 2015. Collection method: clinical testing. Allele origin: germline. Observed: 1 variant allele, 1 heterozygote.